The following is an entry in ClinVar:

ClinVar aggregate classification (germline): Uncertain significance. Review status: criteria provided, multiple submitters, no conflicts (2 of 4 stars). 6 submissions from 6 submitters: Uncertain significance (6). Last evaluated 2025-04-14.

Conditions:
Familial medullary thyroid carcinoma (MTC). Also called: Familial Medullary Thyroid Carcinoma (FMTC); Thyroid cancer, familial medullary; MTC, familial. Identifiers: Orphanet 653, Orphanet 99361, MedGen C1833921, MONDO:0007958, OMIM 155240.
Pheochromocytoma. Also called: MAX-Related Hereditary Paraganglioma-Pheochromocytoma Syndrome. Identifiers: Orphanet 29072, MedGen C0031511, MONDO:0008233, OMIM 171300, HP:0002666.
Multiple endocrine neoplasia type 2A. Also called: Multiple Endocrine Neoplasia Type 2A (MEN2A); MULTIPLE ENDOCRINE NEOPLASIA, TYPE IIA; PTC SYNDROME; SIPPLE SYNDROME; MEN 2A; MEN-2A syndrome. Identifiers: Orphanet 247698, Orphanet 653, MedGen C0025268, MeSH D018813, MONDO:0008234, OMIM 171400.
Hirschsprung disease, susceptibility to, 1 (HSCR1). Also called: RET-Related Hirschsprung Disease. Identifiers: Orphanet 388, MedGen C3888239, MONDO:0007723, OMIM 142623.
Multiple endocrine neoplasia type 2B. Also called: WAGENMANN-FROBOESE SYNDROME; MULTIPLE ENDOCRINE NEOPLASIA, TYPE III; MUCOSAL NEUROMA SYNDROME; Multiple Endocrine Neoplasia Type 2B (MEN2B); Multiple endocrine neoplasia, type 3; MULTIPLE ENDOCRINE NEOPLASIA, TYPE IIB. Identifiers: Orphanet 247709, Orphanet 653, MedGen C0025269, MeSH D018814, MONDO:0008082, OMIM 162300.
Multiple endocrine neoplasia, type 2 (MEN2). Identifiers: Orphanet 653, MedGen C4048306, MONDO:0019003. Disease mechanism: gain of function.
Hereditary cancer-predisposing syndrome. Also called: Hereditary Cancer Syndrome; Hereditary neoplastic syndrome; Tumor predisposition; Neoplastic Syndromes, Hereditary. Identifiers: Orphanet 140162, MedGen C0027672, MeSH D009386, MONDO:0015356.

Allele frequency attached by ClinVar (database versions not stated): TOPMed below 0.00001.

Submissions (6):

Labcorp Genetics (formerly Invitae), Labcorp
Classification: Uncertain significance for Multiple endocrine neoplasia, type 2. Last evaluated: 2025-04-14. Review status: criteria provided, single submitter. Criteria: Invitae Variant Classification Sherloc (09022015). Collection method: clinical testing. Allele origin: germline.
Comment: This sequence change replaces glutamic acid, which is acidic and polar, with lysine, which is basic and polar, at codon 337 of the RET protein (p.Glu337Lys). This variant is not present in population databases (gnomAD no frequency). This variant has not been reported in the literature in individuals affected with RET-related conditions. ClinVar contains an entry for this variant (Variation ID: 432780). An algorithm developed to predict the effect of missense changes on protein structure and function (PolyPhen-2) suggests that this variant is likely to be tolerated. In summary, the available evidence is currently insufficient to determine the role of this variant in disease. Therefore, it has been classified as a Variant of Uncertain Significance.

Ambry Genetics
Classification: Uncertain significance for Hereditary cancer-predisposing syndrome. Last evaluated: 2024-08-02. Review status: criteria provided, single submitter. Criteria: Ambry Variant Classification Scheme 2023. Collection method: clinical testing. Allele origin: germline.
Comment: The p.E337K variant (also known as c.1009G>A), located in coding exon 5 of the RET gene, results from a G to A substitution at nucleotide position 1009. The glutamic acid at codon 337 is replaced by lysine, an amino acid with similar properties. This amino acid position is well conserved in available vertebrate species. In addition, this alteration is predicted to be deleterious by in silico analysis. Based on the available evidence, the clinical significance of this variant remains unclear.

Baylor Genetics
Classification: Uncertain significance for Hirschsprung disease, susceptibility to, 1. Last evaluated: 2024-03-28. Review status: criteria provided, single submitter. Criteria: ACMG Guidelines, 2015. Collection method: clinical testing. Allele origin: unknown.

All of Us Research Program, National Institutes of Health
Classification: Uncertain significance for Multiple endocrine neoplasia, type 2. Last evaluated: 2023-04-27. Review status: criteria provided, single submitter. Criteria: ACMG Guidelines, 2015. Collection method: clinical testing. Allele origin: germline. Inheritance: Autosomal dominant inheritance. Observed: 1 variant allele, 1 heterozygote.
Comment: This study involves interpretation of variants in research participants for the purpose of population health screening. Participant phenotype was not available at the time of variant classification. Additional details can be found in publication PMID: 35346344, PMCID: PMC8962531

GeneDx
Classification: Uncertain significance. Last evaluated: 2017-06-19. Review status: criteria provided, single submitter. Criteria: GeneDx Variant Classification (06012015). Collection method: clinical testing. Allele origin: germline. Affected: yes.
Comment: The E337K variant in the RET gene has not been reported previously as a pathogenic variant, nor as a benign variant, to our knowledge. The E337K variant is not observed in large population cohorts (Lek et al., 2016; 1000 Genomes Consortium et al., 2015; Exome Variant Server). The E337K variant is a non-conservative amino acid substitution, which is likely to impact secondary protein structure as these residues differ in polarity, charge, size and/or other properties. This substitution occurs at a position that is conserved in mammals. In silico analysis is inconsistent in its predictions as to whether or not the variant is damaging to the protein structure/function. We interpret E337K as a variant of uncertain significance.

Juno Genomics, Hangzhou Juno Genomics, Inc
Classification: Uncertain significance for Hirschsprung disease, susceptibility to, 1; Familial medullary thyroid carcinoma; Multiple endocrine neoplasia type 2A; Multiple endocrine neoplasia type 2B; Pheochromocytoma. Review status: criteria provided, single submitter. Criteria: ACMG Guidelines, 2015. Collection method: clinical testing. Allele origin: germline.
Comment: Absent from controls (or at extremely low frequency if recessive) in Genome Aggregation Database.;The prevalence of the variant in affected individuals is significantly increased compared to the prevalence in controls.

NM_020975.6(RET):c.1009G>A (p.Glu337Lys)

Gene: RET (ret proto-oncogene; plus strand). Cytogenetic location: 10q11.21.
Variant type: single nucleotide variant.
Coding change: c.1009G>A on transcript NM_020975.6 (MANE Select); coding-DNA position 1009, G replaced by A.
Protein change: p.Glu337Lys; replaces glutamic acid 337 with lysine.
Molecular consequence: missense variant.
Genome position (GRCh38, 1-based): chr10:43,106,517, G>A. VCF-style: chr10-43106517-G-A. GRCh37 (hg19) VCF-style: chr10-43601965-G-A.
Other names: c.1009G>A, p.Glu337Lys (NM_000323.2, NM_001406743.1, NM_001406744.1 and 6 more transcripts); c.247G>A, p.Glu83Lys (NM_001355216.2); c.880G>A, p.Glu294Lys (NM_001406761.1, NM_001406762.1, NM_001406764.1 and 1 more transcripts); c.721G>A, p.Glu241Lys (NM_001406766.1, NM_001406767.1, NM_001406770.1); short protein forms E337K, E83K, E294K, E241K.
Identifiers: ClinVar variation 432780 (VCV000432780.15), dbSNP rs1161270866, ClinGen allele CA376546357.